The following is an entry in ClinVar:

NM_000553.6(WRN):c.71A>G (p.Lys24Arg)

Gene: WRN (WRN RecQ like helicase; plus strand). Cytogenetic location: 8p12.
Variant type: single nucleotide variant.
Coding change: c.71A>G on transcript NM_000553.6 (MANE Select); coding-DNA position 71, A replaced by G.
Protein change: p.Lys24Arg; replaces lysine 24 with arginine.
Molecular consequence: missense variant.
Genome position (GRCh38, 1-based): chr8:31,058,518, A>G. VCF-style: chr8-31058518-A-G. GRCh37 (hg19) VCF-style: chr8-30916034-A-G.
Other names: short protein forms K24R.
Identifiers: ClinVar variation 1375433 (VCV001375433.6), dbSNP rs1357571487, ClinGen allele CA370912245.

ClinVar aggregate classification (germline): Uncertain significance (1 of 4 stars; one submission).

Conditions:
Werner syndrome (WRN). Identifiers: Orphanet 902, MedGen C0043119, MONDO:0010196, OMIM 277700.

Allele frequency attached by ClinVar (database versions not stated): gnomAD exomes below 0.00001.

Submission:

Labcorp Genetics (formerly Invitae), Labcorp
Classification: Uncertain significance for Werner syndrome. Last evaluated: 2021-08-16. Review status: criteria provided, single submitter. Criteria: Invitae Variant Classification Sherloc (09022015). Collection method: clinical testing. Allele origin: germline.
Comment: In summary, the available evidence is currently insufficient to determine the role of this variant in disease. Therefore, it has been classified as a Variant of Uncertain Significance. Algorithms developed to predict the effect of missense changes on protein structure and function are either unavailable or do not agree on the potential impact of this missense change (SIFT: "Not Available"; PolyPhen-2: "Benign"; Align-GVGD: "Not Available"). This variant has not been reported in the literature in individuals affected with WRN-related conditions. This variant is not present in population databases (ExAC no frequency). This sequence change replaces lysine with arginine at codon 24 of the WRN protein (p.Lys24Arg). The lysine residue is weakly conserved and there is a small physicochemical difference between lysine and arginine.